The following is an entry in ClinVar:

ClinVar aggregate classification (germline): Pathogenic/Likely pathogenic. Review status: criteria provided, multiple submitters, no conflicts (2 of 4 stars). 4 submissions from 4 submitters: Pathogenic (1); Likely pathogenic (2). 1 of the submissions does not count toward it. Last evaluated 2024-04-23.

Conditions:
Curry-Hall syndrome (WAD). Also called: WEYERS ACRODENTAL DYSOSTOSIS. Identifiers: Orphanet 952, MedGen C0457013, MONDO:0008673, OMIM 193530.
Ellis-van Creveld syndrome (EVC). Also called: Chondroectodermal dysplasia; MESOECTODERMAL DYSPLASIA; EVC-Related Ellis-van Creveld Syndrome; EVC2-Related Ellis-van Creveld Syndrome. Identifiers: Orphanet 289, MedGen C0013903, MONDO:0009162, OMIM 225500.

Allele frequency attached by ClinVar (database versions not stated): gnomAD exomes below 0.00001.
gnomAD v4.1: 2 of 1,595,974 alleles (0.00013%); highest among the groups gnomAD compares: Non-Finnish European, 0.000085%; no homozygotes.

Submissions (4):

Natera, Inc.
Classification: Likely pathogenic for Ellis-van Creveld syndrome. Last evaluated: 2024-04-23. Review status: criteria provided, single submitter. Criteria: Natera Variant Classification Schema (03/2026). Collection method: clinical testing. Allele origin: germline.
Comment: The c.2164C>T variant in EVC is a nonsense variant predicted to introduce a stop codon at amino acid 722. This variant is expected to result in nonsense mediated decay, truncation, or a dysfunctional protein product. This variant is rare in the general population with a frequency below the threshold expected for the associated phenotype(s). Given the available evidence, this variant is classified as Likely Pathogenic.

Labcorp Genetics (formerly Invitae), Labcorp
Classification: Pathogenic for Curry-Hall syndrome; Ellis-van Creveld syndrome. Last evaluated: 2023-06-05. Review status: criteria provided, single submitter. Criteria: Invitae Variant Classification Sherloc (09022015). Collection method: clinical testing. Allele origin: germline.
Comment: This sequence change creates a premature translational stop signal (p.Gln722*) in the EVC gene. It is expected to result in an absent or disrupted protein product. Loss-of-function variants in EVC are known to be pathogenic (PMID: 23220543). For these reasons, this variant has been classified as Pathogenic. ClinVar contains an entry for this variant (Variation ID: 451398). This variant has not been reported in the literature in individuals affected with EVC-related conditions. This variant is not present in population databases (gnomAD no frequency).

GeneDx
Classification: Likely pathogenic. Last evaluated: 2017-08-17. Review status: criteria provided, single submitter. Criteria: GeneDx Variant Classification (06012015). Collection method: clinical testing. Allele origin: germline. Affected: yes.
Comment: The Q722X variant in the EVC gene has not been reported previously as a pathogenic variant, nor as a benign variant, to our knowledge. This variant is predicted to cause loss of normal protein function either through protein truncation or nonsense-mediated mRNA decay. The Q722X variant is not observed in large population cohorts (Lek et al., 2016; 1000 Genomes Consortium et al., 2015; Exome Variant Server). We interpret Q722X as a likely pathogenic variant.

Counsyl
Classification: Likely pathogenic for Ellis-van Creveld syndrome. Last evaluated: 2018-04-26. Review status: no assertion criteria provided. Collection method: clinical testing. Allele origin: unknown. Not counted in ClinVar's aggregate classification.

Literature cited by the submitters: PubMed 23220543 (cited by Labcorp Genetics (formerly Invitae), Labcorp).

NM_153717.3(EVC):c.2164C>T (p.Gln722Ter)

Gene: EVC (EvC ciliary complex subunit 1; plus strand). Cytogenetic location: 4p16.2.
Variant type: single nucleotide variant.
Coding change: c.2164C>T on transcript NM_153717.3 (MANE Select); coding-DNA position 2164, C replaced by T.
Protein change: p.Gln722Ter; replaces glutamine 722 with a stop codon.
Molecular consequence: nonsense.
Genome position (GRCh38, 1-based): chr4:5,798,652, C>T. VCF-style: chr4-5798652-C-T. GRCh37 (hg19) VCF-style: chr4-5800379-C-T.
Other names: c.2164C>T, p.Gln722Ter (NM_001306090.2); short protein forms Q722*.
Identifiers: ClinVar variation 451398 (VCV000451398.10), dbSNP rs1553891936, ClinGen allele CA356145068.